The following is an entry in ClinVar:

NM_000081.4(LYST):c.7994A>G (p.Asp2665Gly)

Gene: LYST (lysosomal trafficking regulator; minus strand). Cytogenetic location: 1q42.3.
Variant type: single nucleotide variant.
Coding change: c.7994A>G on transcript NM_000081.4 (MANE Select); coding-DNA position 7994, A replaced by G.
Protein change: p.Asp2665Gly; replaces aspartic acid 2665 with glycine.
Molecular consequence: missense variant.
Genome position (GRCh38, 1-based): chr1:235,744,136, T>C on the plus strand (A>G on the coding strand, the complement: LYST is on the minus strand). VCF-style: chr1-235744136-T-C. GRCh37 (hg19) VCF-style: chr1-235907436-T-C.
Other names: c.7994A>G, p.Asp2665Gly (NM_001301365.1); short protein forms D2665G.
Identifiers: ClinVar variation 938208 (VCV000938208.5), dbSNP rs562418362, ClinGen allele CA1465969.
Genomic context (GRCh38, chr1:235,744,136, plus strand): 5'-ATTTCGGTCTGGAAAACTGAGGTCTTGCTTTGAGTTACATTTTCTGGAGTTCTCAAAATG[T>C]CAATAATGTCTGAATTAAATTCTTTGAATTGAAAAAAAGAATACAAAATTAGTCATATCA-3'
Protein context (NP_000072.2, residues 2655-2675): IYQEFNSDII[Asp2665Gly]ILRTPENVTQ

ClinVar aggregate classification (germline): Uncertain significance. Review status: criteria provided, multiple submitters, no conflicts (2 of 4 stars). 2 submissions from 2 submitters: Uncertain significance (2). Last evaluated 2022-04-18.

Conditions:
Chédiak-Higashi syndrome (CHS). Also called: Chediak-Higashi Syndrome. Identifiers: Orphanet 167, MedGen C0007965, MONDO:0008963, OMIM 214500.

Allele frequency attached by ClinVar (database versions not stated): gnomAD exomes 0.00002; TOPMed 0.00006; gnomAD 0.00007; ExAC 0.00008; 1000 Genomes Project 0.00100; 1000 Genomes Project 30x 0.00109.
gnomAD v4.1: 39 of 1,587,298 alleles (0.0025%); highest among the groups gnomAD compares: East Asian, 0.054%; no homozygotes.

Submissions (2):

Labcorp Genetics (formerly Invitae), Labcorp
Classification: Uncertain significance for Chédiak-Higashi syndrome. Last evaluated: 2022-04-18. Review status: criteria provided, single submitter. Criteria: Invitae Variant Classification Sherloc (09022015). Collection method: clinical testing. Allele origin: germline.
Comment: This sequence change replaces aspartic acid, which is acidic and polar, with glycine, which is neutral and non-polar, at codon 2665 of the LYST protein (p.Asp2665Gly). This variant is present in population databases (rs562418362, gnomAD 0.08%). This missense change has been observed in individual(s) with hemophagocytic lymphohistiocytosis (PMID: 30899265). ClinVar contains an entry for this variant (Variation ID: 938208). Algorithms developed to predict the effect of missense changes on protein structure and function (SIFT, PolyPhen-2, Align-GVGD) all suggest that this variant is likely to be tolerated. In summary, the available evidence is currently insufficient to determine the role of this variant in disease. Therefore, it has been classified as a Variant of Uncertain Significance.

Fulgent Genetics
Classification: Uncertain significance for Chédiak-Higashi syndrome. Last evaluated: 2021-08-16. Review status: criteria provided, single submitter. Criteria: ACMG Guidelines, 2015. Collection method: clinical testing. Allele origin: unknown.

Literature cited by the submitters: PubMed 30899265 (cited by Labcorp Genetics (formerly Invitae), Labcorp).